The following is an entry in ClinVar:

ClinVar aggregate classification (germline): Likely benign (1 of 4 stars; one submission).

Submission:

CeGaT Center for Human Genetics Tuebingen
Classification: Likely benign. Last evaluated: 2024-04-01. Review status: criteria provided, single submitter. Criteria: CeGaT Center For Human Genetics Tuebingen Variant Classification Criteria Version 2. Collection method: clinical testing. Allele origin: germline. Affected: yes. Observed: 1 variant allele.
Comment: CHAMP1: PM2:Supporting, BP4, BP7

NM_032436.4(CHAMP1):c.1950A>G (p.Glu650=)

Gene: CHAMP1 (chromosome alignment maintaining phosphoprotein 1; plus strand). Cytogenetic location: 13q34.
Variant type: single nucleotide variant.
Coding change: c.1950A>G on transcript NM_032436.4 (MANE Select); coding-DNA position 1950, A replaced by G.
Protein change: p.Glu650=; no amino-acid change (glutamic acid 650 retained).
Molecular consequence: synonymous variant.
Genome position (GRCh38, 1-based): chr13:114,325,792, A>G. VCF-style: chr13-114325792-A-G. GRCh37 (hg19) VCF-style: chr13-115091267-A-G.
Other names: c.1950A>G, p.Glu650= (NM_001164144.3, NM_001164145.3).
Identifiers: ClinVar variation 3234610 (VCV003234610.20), dbSNP rs2503204141, ClinGen allele CA485436958.